The following is an entry in ClinVar:

ClinVar aggregate classification (germline): Uncertain significance (1 of 4 stars; one submission).

Submission:

GeneDx
Classification: Uncertain significance. Last evaluated: 2025-05-05. Review status: criteria provided, single submitter. Criteria: GeneDx Variant Classification Process June 2021. Collection method: clinical testing. Allele origin: germline. Affected: yes.
Comment: In-frame deletion of 1 amino acid(s) and insertion of 5 different amino acid(s) in a non-repeat region; In silico analysis suggests that this variant does not alter protein structure/function; Not observed at significant frequency in large population cohorts (gnomAD); Has not been previously published as pathogenic or benign to our knowledge

NM_172107.4(KCNQ2):c.1725_1727delinsTGCCGGCTTAAGCCG (p.Leu576delinsAlaGlyLeuSerArg)

Gene: KCNQ2 (potassium voltage-gated channel subfamily Q member 2; minus strand). Cytogenetic location: 20q13.33.
Variant type: Indel.
Coding change: c.1725_1727delinsTGCCGGCTTAAGCCG on transcript NM_172107.4 (MANE Select); coding-DNA positions 1725 to 1727, CCT replaced by TGCCGGCTTAAGCCG.
Protein change: p.Leu576delinsAlaGlyLeuSerArg.
Molecular consequence: inframe indel.
Genome position (GRCh38, 1-based): chr20:63,413,486-63,413,488, AGG replaced by CGGCTTAAGCCGGCA on the plus strand (CCT replaced by TGCCGGCTTAAGCCG on the coding strand, the reverse complement: KCNQ2 is on the minus strand). VCF-style: chr20-63413486-AGG-CGGCTTAAGCCGGCA. GRCh37 (hg19) VCF-style: chr20-62044839-AGG-CGGCTTAAGCCGGCA.
Other names: c.1671_1673delinsTGCCGGCTTAAGCCG, p.Leu558delinsAlaGlyLeuSerArg (NM_001382235.1, NM_172106.3); c.1668_1670delinsTGCCGGCTTAAGCCG, p.Leu557delinsAlaGlyLeuSerArg (NM_001439003.1); c.1638_1640delinsTGCCGGCTTAAGCCG, p.Leu547delinsAlaGlyLeuSerArg (NM_001439004.1); c.1641_1643delinsTGCCGGCTTAAGCCG, p.Leu548delinsAlaGlyLeuSerArg (NM_004518.6); c.1632_1634delinsTGCCGGCTTAAGCCG, p.Leu545delinsAlaGlyLeuSerArg (NM_172108.5).
Identifiers: ClinVar variation 4528162 (VCV004528162.1).